The following is an entry in ClinVar:

ClinVar aggregate classification (germline): Uncertain significance. Review status: criteria provided, multiple submitters, no conflicts (2 of 4 stars). 2 submissions from 2 submitters: Uncertain significance (2). Last evaluated 2026-01-17.

Conditions:
Hereditary cancer-predisposing syndrome. Also called: Hereditary Cancer Syndrome; Tumor predisposition; Hereditary neoplastic syndrome; Neoplastic Syndromes, Hereditary. Identifiers: Orphanet 140162, MedGen C0027672, MeSH D009386, MONDO:0015356.

Allele frequency attached by ClinVar (database versions not stated): 1000 Genomes Project 30x 0.00016; 1000 Genomes Project 0.00020; TOPMed below 0.00001; gnomAD 0.00001 and 0.00002; gnomAD exomes 0.00001.
gnomAD v4.1: 7 of 1,613,874 alleles (0.00043%); highest among the groups gnomAD compares: Admixed American, 0.005%; no homozygotes.

Submissions (2):

Labcorp Genetics (formerly Invitae), Labcorp
Classification: Uncertain significance. Last evaluated: 2026-01-17. Review status: criteria provided, single submitter. Criteria: Invitae Variant Classification Sherloc (09022015). Collection method: clinical testing. Allele origin: germline.
Comment: This sequence change replaces arginine, which is basic and polar, with glutamine, which is neutral and polar, at codon 2127 of the POLE protein (p.Arg2127Gln). This variant is present in population databases (rs199613242, gnomAD 0.006%). This variant has not been reported in the literature in individuals affected with POLE-related conditions. ClinVar contains an entry for this variant (Variation ID: 645558). Invitae Evidence Modeling of protein sequence and biophysical properties (such as structural, functional, and spatial information, amino acid conservation, physicochemical variation, residue mobility, and thermodynamic stability) indicates that this missense variant is not expected to disrupt POLE protein function with a negative predictive value of 80%. In summary, the available evidence is currently insufficient to determine the role of this variant in disease. Therefore, it has been classified as a Variant of Uncertain Significance.

Ambry Genetics
Classification: Uncertain significance for Hereditary cancer-predisposing syndrome. Last evaluated: 2024-06-20. Review status: criteria provided, single submitter. Criteria: Ambry Variant Classification Scheme 2023. Collection method: clinical testing. Allele origin: germline.
Comment: The p.R2127Q variant (also known as c.6380G>A), located in coding exon 46 of the POLE gene, results from a G to A substitution at nucleotide position 6380. The arginine at codon 2127 is replaced by glutamine, an amino acid with highly similar properties. This amino acid position is conserved. In addition, the in silico prediction for this alteration is inconclusive. Since supporting evidence is limited at this time, the clinical significance of this alteration remains unclear.

NM_006231.4(POLE):c.6380G>A (p.Arg2127Gln)

Gene: POLE (DNA polymerase epsilon, catalytic subunit; minus strand). Cytogenetic location: 12q24.33.
Variant type: single nucleotide variant.
Coding change: c.6380G>A on transcript NM_006231.4 (MANE Select); coding-DNA position 6380, G replaced by A.
Protein change: p.Arg2127Gln; replaces arginine 2127 with glutamine.
Molecular consequence: missense variant.
Genome position (GRCh38, 1-based): chr12:132,626,268, C>T on the plus strand (G>A on the coding strand, the complement: POLE is on the minus strand). VCF-style: chr12-132626268-C-T. GRCh37 (hg19) VCF-style: chr12-133202854-C-T.
Other names: short protein forms R2127Q.
Identifiers: ClinVar variation 645558 (VCV000645558.11), dbSNP rs199613242, ClinGen allele CA246286829.